The following is an entry in ClinVar:

ClinVar aggregate classification (germline): Conflicting classifications of pathogenicity. Review status: criteria provided, conflicting classifications (1 of 4 stars). 4 submissions from 4 submitters: Uncertain significance (1); Likely benign (3). Last evaluated 2026-03-10.

Conditions:
Cardiovascular phenotype. Identifiers: MedGen CN230736.
SCN10A-related disorder. Also called: SCN10A-related condition.
Brugada syndrome. Also called: Sudden unexpected nocturnal death syndrome; Sudden Unexplained Death Syndrome; Sudden Unexplained Nocturnal Death Syndrome (SUNDS); Sudden unexplained nocturnal death syndrome. Identifiers: Orphanet 130, MedGen C1142166, MONDO:0015263.

Allele frequency attached by ClinVar (database versions not stated): gnomAD exomes 0.00009 and 0.00021; ExAC 0.00016; gnomAD 0.00022 and 0.00023; ESP Exome Variant Server 0.00023; TOPMed 0.00052; 1000 Genomes Project 30x 0.00078; 1000 Genomes Project 0.00080.
gnomAD v4.1: 183 of 1,614,216 alleles (0.011%); highest among the groups gnomAD compares: Admixed American, 0.075%; no homozygotes.

Submissions (4):

PreventionGenetics, part of Exact Sciences
Classification: Likely benign for SCN10A-related condition. Last evaluated: 2026-03-10. Review status: criteria provided, single submitter. Criteria: ACMG Guidelines, 2015. Collection method: clinical testing. Allele origin: germline.
Comment: This variant is classified as likely benign based on ACMG/AMP sequence variant interpretation guidelines (Richards et al. 2015 PMID: 25741868, with internal and published modifications).

Labcorp Genetics (formerly Invitae), Labcorp
Classification: Likely benign for Brugada syndrome. Last evaluated: 2025-12-17. Review status: criteria provided, single submitter. Criteria: Invitae Variant Classification Sherloc (09022015). Collection method: clinical testing. Allele origin: germline.

GeneDx
Classification: Uncertain significance. Last evaluated: 2022-09-16. Review status: criteria provided, single submitter. Criteria: GeneDx Variant Classification Process June 2021. Collection method: clinical testing. Allele origin: germline. Affected: yes.
Comment: Reported in an individual with Brugada syndrome and two individuals with painful diabetic peripheral neuropathy in published literature (Hu et al., 2014; Wadhawan et al., 2017); In silico analysis, which includes protein predictors and evolutionary conservation, supports a deleterious effect; This variant is associated with the following publications: (PMID: 27711072, 28407228, 30821013, 29264398, 29247119, 24998131)

Ambry Genetics
Classification: Likely benign for Cardiovascular phenotype. Last evaluated: 2019-08-23. Review status: criteria provided, single submitter. Criteria: Ambry Variant Classification Scheme 2023. Collection method: clinical testing. Allele origin: germline.

NM_006514.4(SCN10A):c.1163T>C (p.Leu388Pro)

Gene: SCN10A (sodium voltage-gated channel alpha subunit 10; minus strand). Cytogenetic location: 3p22.2.
Variant type: single nucleotide variant.
Coding change: c.1163T>C on transcript NM_006514.4 (MANE Select); coding-DNA position 1163, T replaced by C.
Protein change: p.Leu388Pro; replaces leucine 388 with proline.
Molecular consequence: missense variant.
Genome position (GRCh38, 1-based): chr3:38,756,801, A>G on the plus strand (T>C on the coding strand, the complement: SCN10A is on the minus strand). VCF-style: chr3-38756801-A-G. GRCh37 (hg19) VCF-style: chr3-38798292-A-G.
Other names: c.1163T>C, p.Leu388Pro (NM_001293306.2, NM_001293307.2); short protein forms L388P.
Identifiers: ClinVar variation 695698 (VCV000695698.16), dbSNP rs199734710, ClinGen allele CA2320946.